The following is an entry in ClinVar:

ClinVar aggregate classification (germline): Uncertain significance (1 of 4 stars; one submission).

Conditions:
USH2A-related disorder. Also called: USH2A-related disorders; USH2A-related condition. Identifiers: MedGen CN239332.

Submission:

Myriad Genetics, Inc.
Classification: Uncertain significance for USH2A-related disorder. Last evaluated: 2025-10-22. Review status: criteria provided, single submitter. Criteria: Myriad Autosomal Dominant, Autosomal Recessive and X-Linked Classification Criteria (2023). Collection method: clinical testing. Allele origin: unknown.
Comment: NM_206933.2(USH2A):c.13532C>T(A4511V) is a missense variant classified as a variant of uncertain significance in the context of USH2A-related disorders. A4511V has not been observed in cases with relevant disease. Relevant functional assessments of this variant are not available in the literature. A4511V has not been observed in referenced population frequency databases. In summary, there is insufficient evidence to classify NM_206933.2(USH2A):c.13532C>T(A4511V) as pathogenic or benign. Please note: this variant was assessed in the context of healthy population screening.

NM_206933.4(USH2A):c.13532C>T (p.Ala4511Val)

Gene: USH2A (usherin; minus strand). Cytogenetic location: 1q41.
Variant type: single nucleotide variant.
Coding change: c.13532C>T on transcript NM_206933.4 (MANE Select); coding-DNA position 13532, C replaced by T.
Protein change: p.Ala4511Val; replaces alanine 4511 with valine.
Molecular consequence: missense variant.
Genome position (GRCh38, 1-based): chr1:215,674,379, G>A on the plus strand (C>T on the coding strand, the complement: USH2A is on the minus strand). VCF-style: chr1-215674379-G-A. GRCh37 (hg19) VCF-style: chr1-215847721-G-A.
Other names: short protein forms A4511V.
Identifiers: ClinVar variation 5003725 (VCV005003725.1).